The following is an entry in ClinVar:

ClinVar aggregate classification (germline): Uncertain significance (1 of 4 stars; one submission).

Conditions:
Inborn genetic diseases. Identifiers: MedGen C0950123, MeSH D030342.

gnomAD v4.1: 5 of 1,614,106 alleles (0.00031%); highest among the groups gnomAD compares: South Asian, 0.0011%; no homozygotes.

Submission:

Ambry Genetics
Classification: Uncertain significance for Inborn genetic diseases. Last evaluated: 2024-12-23. Review status: criteria provided, single submitter. Criteria: Ambry Variant Classification Scheme 2023. Collection method: clinical testing. Allele origin: germline.
Comment: The p.S574G variant (also known as c.1720A>G), located in coding exon 12 of the BMPR2 gene, results from an A to G substitution at nucleotide position 1720. The serine at codon 574 is replaced by glycine, an amino acid with similar properties. This amino acid position is conserved. In addition, this alteration is predicted to be tolerated by in silico analysis. Based on the available evidence, the clinical significance of this variant remains unclear.

NM_001204.7(BMPR2):c.1720A>G (p.Ser574Gly)

Gene: BMPR2 (bone morphogenetic protein receptor type 2; plus strand). Cytogenetic location: 2q33.2.
Variant type: single nucleotide variant.
Coding change: c.1720A>G on transcript NM_001204.7 (MANE Select); coding-DNA position 1720, A replaced by G.
Protein change: p.Ser574Gly; replaces serine 574 with glycine.
Molecular consequence: missense variant.
Genome position (GRCh38, 1-based): chr2:202,555,385, A>G. VCF-style: chr2-202555385-A-G. GRCh37 (hg19) VCF-style: chr2-203420108-A-G.
Other names: short protein forms S574G.
Identifiers: ClinVar variation 3824777 (VCV003824777.1).